The following is an entry in ClinVar:

NM_001039591.3(USP9X):c.3278_3279del (p.Glu1093fs)

Gene: USP9X (ubiquitin specific peptidase 9 X-linked; plus strand). Cytogenetic location: Xp11.4.
Variant type: Microsatellite.
Coding change: c.3278_3279del on transcript NM_001039591.3 (MANE Select); coding-DNA positions 3278 to 3279, 2 bases deleted (AG; older notation c.3278_3279delAG).
Protein change: p.Glu1093fs; shifts the reading frame from glutamic acid 1093.
Molecular consequence: frameshift variant.
Genome position (GRCh38, 1-based): chrX:41,184,127-41,184,128, AG deleted; deleting any 2 consecutive bases within chrX:41,184,125-41,184,128 gives the same sequence; the c. name uses the placement nearest the transcript's 3' end. VCF-style (leftmost placement, unchanged base first): chrX-41184124-CAG-C. GRCh37 (hg19) VCF-style: chrX-41043377-CAG-C.
Other names: c.3278_3279del, p.Glu1093fs (NM_001039590.3); c.3293_3294del, p.Glu1098fs (NM_001410748.1, NM_001410749.1); short protein forms E1093fs, E1098fs.
Identifiers: ClinVar variation 4056850 (VCV004056850.1).

ClinVar aggregate classification (germline): Pathogenic (1 of 4 stars; one submission).

Submission:

GeneDx
Classification: Pathogenic. Last evaluated: 2025-01-13. Review status: criteria provided, single submitter. Criteria: GeneDx Variant Classification Process June 2021. Collection method: clinical testing. Allele origin: germline. Affected: yes.
Comment: Frameshift variant predicted to result in protein truncation or nonsense mediated decay in a gene for which loss of function is a known mechanism of disease; Not observed at significant frequency in large population cohorts (gnomAD); Has not been previously published as pathogenic or benign to our knowledge